The following is an entry in ClinVar:

NM_000260.4(MYO7A):c.5918T>C (p.Ile1973Thr)

Gene: MYO7A (myosin VIIA; plus strand). Cytogenetic location: 11q13.5.
Variant type: single nucleotide variant.
Coding change: c.5918T>C on transcript NM_000260.4 (MANE Select); coding-DNA position 5918, T replaced by C.
Protein change: p.Ile1973Thr; replaces isoleucine 1973 with threonine.
Molecular consequence: missense variant.
Genome position (GRCh38, 1-based): chr11:77,208,491, T>C. VCF-style: chr11-77208491-T-C. GRCh37 (hg19) VCF-style: chr11-76919536-T-C.
Other names: c.5804T>C, p.Ile1935Thr (NM_001127180.2); c.5771T>C, p.Ile1924Thr (NM_001369365.1); short protein forms I1935T, I1973T, I1924T.
Identifiers: ClinVar variation 2113142 (VCV002113142.4), dbSNP rs2497753002, ClinGen allele CA381932758.

ClinVar aggregate classification (germline): Uncertain significance (1 of 4 stars; one submission).

Submission:

Labcorp Genetics (formerly Invitae), Labcorp
Classification: Uncertain significance. Last evaluated: 2022-03-16. Review status: criteria provided, single submitter. Criteria: Invitae Variant Classification Sherloc (09022015). Collection method: clinical testing. Allele origin: germline.
Comment: This sequence change replaces isoleucine, which is neutral and non-polar, with threonine, which is neutral and polar, at codon 1973 of the MYO7A protein (p.Ile1973Thr). In summary, the available evidence is currently insufficient to determine the role of this variant in disease. Therefore, it has been classified as a Variant of Uncertain Significance. Advanced modeling of protein sequence and biophysical properties (such as structural, functional, and spatial information, amino acid conservation, physicochemical variation, residue mobility, and thermodynamic stability) performed at Invitae indicates that this missense variant is not expected to disrupt MYO7A protein function. This variant has not been reported in the literature in individuals affected with MYO7A-related conditions. This variant is not present in population databases (gnomAD no frequency).